The following is an entry in ClinVar:

NM_001363118.2(SLC52A2):c.290C>T (p.Ser97Phe)

Gene: SLC52A2 (solute carrier family 52 member 2; plus strand). Cytogenetic location: 8q24.3.
Variant type: single nucleotide variant.
Coding change: c.290C>T on transcript NM_001363118.2 (MANE Select); coding-DNA position 290, C replaced by T.
Protein change: p.Ser97Phe; replaces serine 97 with phenylalanine.
Molecular consequence: missense variant. On other transcripts: non-coding transcript variant (1), intron variant (1).
Genome position (GRCh38, 1-based): chr8:144,359,782, C>T. VCF-style: chr8-144359782-C-T. GRCh37 (hg19) VCF-style: chr8-145583442-C-T.
Other names: c.290C>T, p.Ser97Phe (NM_001253815.2, NM_001253816.2, NM_001363120.2 and 2 more transcripts); c.131-333C>T (NM_001363122.2); short protein forms S97F.
Identifiers: ClinVar variation 939307 (VCV000939307.7), dbSNP rs1818706654, ClinGen allele CA372626714.

ClinVar aggregate classification (germline): Uncertain significance (1 of 4 stars; one submission).

Conditions:
Brown-Vialetto-van Laere syndrome 2. Also called: SPINOCEREBELLAR ATAXIA WITH BLINDNESS AND DEAFNESS 2; Riboflavin transporter deficiency type 2. Identifiers: Orphanet 572543, Orphanet 97229, MedGen C3553538, MONDO:0013867, OMIM 614707.

Submission:

Labcorp Genetics (formerly Invitae), Labcorp
Classification: Uncertain significance for Brown-Vialetto-van Laere syndrome 2. Last evaluated: 2023-11-10. Review status: criteria provided, single submitter. Criteria: Invitae Variant Classification Sherloc (09022015). Collection method: clinical testing. Allele origin: germline.
Comment: This sequence change replaces serine, which is neutral and polar, with phenylalanine, which is neutral and non-polar, at codon 97 of the SLC52A2 protein (p.Ser97Phe). This variant is not present in population databases (gnomAD no frequency). This variant has not been reported in the literature in individuals affected with SLC52A2-related conditions. ClinVar contains an entry for this variant (Variation ID: 939307). Advanced modeling of protein sequence and biophysical properties (such as structural, functional, and spatial information, amino acid conservation, physicochemical variation, residue mobility, and thermodynamic stability) performed at Invitae indicates that this missense variant is not expected to disrupt SLC52A2 protein function with a negative predictive value of 80%. In summary, the available evidence is currently insufficient to determine the role of this variant in disease. Therefore, it has been classified as a Variant of Uncertain Significance.